The following is an entry in ClinVar:

ClinVar aggregate classification (germline): Likely benign (0 of 4 stars; one submission).

Conditions:
RAB3GAP1-related disorder. Also called: RAB3GAP1-related condition; RAB3GAP1-related disorders.

Allele frequency attached by ClinVar (database versions not stated): gnomAD 0.00001.
gnomAD v4.1: 11 of 1,606,732 alleles (0.00068%); highest among the groups gnomAD compares: Middle Eastern, 0.016%; no homozygotes.

Submission:

PreventionGenetics, part of Exact Sciences
Classification: Likely benign for RAB3GAP1-related condition. Last evaluated: 2021-08-20. Review status: no assertion criteria provided. Collection method: clinical testing. Allele origin: germline.
Comment: This variant is classified as likely benign based on ACMG/AMP sequence variant interpretation guidelines (Richards et al. 2015 PMID: 25741868, with internal and published modifications).

NM_012233.3(RAB3GAP1):c.*3C>T

Gene: RAB3GAP1 (RAB3 GTPase activating protein catalytic subunit 1; plus strand). Cytogenetic location: 2q21.3.
Variant type: single nucleotide variant.
Coding change: c.*3C>T on transcript NM_012233.3 (MANE Select); 3 bases downstream of the stop codon, C replaced by T.
Molecular consequence: 3 prime UTR variant.
Genome position (GRCh38, 1-based): chr2:135,168,784, C>T. VCF-style: chr2-135168784-C-T. GRCh37 (hg19) VCF-style: chr2-135926354-C-T.
Other names: c.*3C>T (NM_001172435.2).
Identifiers: ClinVar variation 3036168 (VCV003036168.2), dbSNP rs557164937, ClinGen allele CA1885227.
Genomic context (GRCh38, chr2:135,168,784, plus strand): 5'-CACCAAAGAGGACTTTAGACTTGCAGGTGCCTTTTCATCAGATACTTCCTTCTTCTGATT[C>T]TTCTAGCATTACTCGTTGGTGGCTTCAGAGACAGTGCTGCCTCCTCCTGAGGGAGGGAAG-3'